The following is an entry in ClinVar:

NM_003743.5(NCOA1):c.1733C>A (p.Ala578Glu)

Gene: NCOA1 (nuclear receptor coactivator 1; plus strand). Cytogenetic location: 2p23.3.
Variant type: single nucleotide variant.
Coding change: c.1733C>A on transcript NM_003743.5 (MANE Select); coding-DNA position 1733, C replaced by A.
Protein change: p.Ala578Glu; replaces alanine 578 with glutamic acid.
Molecular consequence: missense variant.
Genome position (GRCh38, 1-based): chr2:24,707,203, C>A. VCF-style: chr2-24707203-C-A. GRCh37 (hg19) VCF-style: chr2-24930072-C-A.
Other names: c.1733C>A, p.Ala578Glu (NM_001362950.1, NM_001362952.1, NM_001362954.1 and 3 more transcripts); short protein forms A578E.
Identifiers: ClinVar variation 4977662 (VCV004977662.1).

ClinVar aggregate classification (germline): Uncertain significance (1 of 4 stars; one submission).

Conditions:
NCOA1-related disorder. Also called: NCOA1-related condition.

gnomAD v4.1: 5 of 1,614,184 alleles (0.00031%); highest among the groups gnomAD compares: Non-Finnish European, 0.00034%; no homozygotes.

Submission:

PreventionGenetics, part of Exact Sciences
Classification: Uncertain significance for NCOA1-related condition. Last evaluated: 2024-12-18. Review status: criteria provided, single submitter. Criteria: ACMG Guidelines, 2015. Collection method: clinical testing. Allele origin: germline.
Comment: The NCOA1 c.1733C>A variant is predicted to result in the amino acid substitution p.Ala578Glu. To our knowledge, this variant has not been reported in the literature. This variant is reported in 0.0% of alleles in individuals of African descent in gnomAD. At this time, the clinical significance of this variant is uncertain due to the absence of conclusive functional and genetic evidence.